The following is an entry in ClinVar:

ClinVar aggregate classification (germline): Uncertain significance (1 of 4 stars; one submission).

Conditions:
Hyperkalemic periodic paralysis. Also called: Familial hyperkalemic periodic paralysis; Gamstorp disease. Identifiers: Orphanet 682, MedGen C0238357, MONDO:0008224, OMIM 170500, HP:0007215.

Submission:

Labcorp Genetics (formerly Invitae), Labcorp
Classification: Uncertain significance for Hyperkalemic periodic paralysis. Last evaluated: 2024-07-15. Review status: criteria provided, single submitter. Criteria: Invitae Variant Classification Sherloc (09022015). Collection method: clinical testing. Allele origin: germline.
Comment: This sequence change replaces proline, which is neutral and non-polar, with threonine, which is neutral and polar, at codon 71 of the SCN4A protein (p.Pro71Thr). This variant is not present in population databases (gnomAD no frequency). This variant has not been reported in the literature in individuals affected with SCN4A-related conditions. Advanced modeling of protein sequence and biophysical properties (such as structural, functional, and spatial information, amino acid conservation, physicochemical variation, residue mobility, and thermodynamic stability) performed at Invitae indicates that this missense variant is not expected to disrupt SCN4A protein function with a negative predictive value of 80%. In summary, the available evidence is currently insufficient to determine the role of this variant in disease. Therefore, it has been classified as a Variant of Uncertain Significance.

NM_000334.4(SCN4A):c.211C>A (p.Pro71Thr)

Gene: SCN4A (sodium voltage-gated channel alpha subunit 4; minus strand). Cytogenetic location: 17q23.3.
Variant type: single nucleotide variant.
Coding change: c.211C>A on transcript NM_000334.4 (MANE Select); coding-DNA position 211, C replaced by A.
Protein change: p.Pro71Thr; replaces proline 71 with threonine.
Molecular consequence: missense variant.
Genome position (GRCh38, 1-based): chr17:63,972,631, G>T on the plus strand (C>A on the coding strand, the complement: SCN4A is on the minus strand). VCF-style: chr17-63972631-G-T. GRCh37 (hg19) VCF-style: chr17-62049991-G-T.
Other names: short protein forms P71T.
Identifiers: ClinVar variation 3656989 (VCV003656989.2).